The following is an entry in ClinVar:

ClinVar aggregate classification (germline): Conflicting classifications of pathogenicity. Review status: criteria provided, conflicting classifications (1 of 4 stars). 2 submissions from 2 submitters: Uncertain significance (1); Likely benign (1). Last evaluated 2025-03-23.

Conditions:
Anterior segment dysgenesis. Also called: Ocular anterior segment dysgenesis. Identifiers: Orphanet 88632, MedGen C1862839, MONDO:0019503, HP:0007700.
Congenital primary aphakia. Also called: ANTERIOR SEGMENT DYSGENESIS 2; Anterior segment dysgenesis 2, multiple subtypes. Identifiers: Orphanet 83461, MedGen C1853230, MONDO:0012456, OMIM 610256.
Cardiovascular phenotype. Identifiers: MedGen CN230736.

gnomAD v4.1: 4 of 1,369,708 alleles (0.00029%); highest among the groups gnomAD compares: South Asian, 0.0016%; no homozygotes.

Submissions (2):

Ambry Genetics
Classification: Likely benign for Cardiovascular phenotype. Last evaluated: 2025-03-23. Review status: criteria provided, single submitter. Criteria: Ambry Variant Classification Scheme 2023. Collection method: clinical testing. Allele origin: germline.

Labcorp Genetics (formerly Invitae), Labcorp
Classification: Uncertain significance for Anterior segment dysgenesis; Congenital primary aphakia. Last evaluated: 2025-03-11. Review status: criteria provided, single submitter. Criteria: Invitae Variant Classification Sherloc (09022015). Collection method: clinical testing. Allele origin: germline.
Comment: This sequence change affects codon 254 of the FOXE3 mRNA. It is a 'silent' change, meaning that it does not change the encoded amino acid sequence of the FOXE3 protein. This variant is not present in population databases (gnomAD no frequency). This variant has not been reported in the literature in individuals affected with FOXE3-related conditions. In summary, the available evidence is currently insufficient to determine the role of this variant in disease. Therefore, it has been classified as a Variant of Uncertain Significance.

NM_012186.3(FOXE3):c.762T>C (p.Ala254=)

Genes: FOXE3 (forkhead box E3; plus strand), LINC01389 (long independently transcribed non-coding RNA 1389; minus strand). Cytogenetic location: 1p33.
Variant type: single nucleotide variant.
Coding change: c.762T>C on transcript NM_012186.3 (MANE Select); coding-DNA position 762, T replaced by C.
Protein change: p.Ala254=; no amino-acid change (alanine 254 retained).
Molecular consequence: synonymous variant.
Genome position (GRCh38, 1-based): chr1:47,417,077, T>C. VCF-style: chr1-47417077-T-C. GRCh37 (hg19) VCF-style: chr1-47882749-T-C.
Identifiers: ClinVar variation 4026303 (VCV004026303.2).